The following is an entry in ClinVar:

NM_000360.4(TH):c.990del (p.His330fs)

Gene: TH (tyrosine hydroxylase; minus strand). Cytogenetic location: 11p15.5.
Variant type: Deletion.
Coding change: c.990del on transcript NM_000360.4 (MANE Select); coding-DNA position 990, one base deleted (C; older notation c.990delC).
Protein change: p.His330fs; shifts the reading frame from histidine 330.
Molecular consequence: frameshift variant.
Genome position (GRCh38, 1-based): chr11:2,166,537, G deleted on the plus strand (C on the coding strand, the reverse complement: TH is on the minus strand). VCF-style (leftmost placement, unchanged base first): chr11-2166536-CG-C. GRCh37 (hg19) VCF-style: chr11-2187766-CG-C.
Other names: c.1083del, p.His361fs (NM_199292.3); c.1071del, p.His357fs (NM_199293.3); short protein forms H330fs, H361fs, H357fs.
Identifiers: ClinVar variation 969618 (VCV000969618.7), dbSNP rs1846095407, ClinGen allele CA1139661747.

ClinVar aggregate classification (germline): Pathogenic (1 of 4 stars; one submission).

Conditions:
TH-deficient dopa-responsive dystonia. Also called: DYT-TH; Tyrosine Hydroxylase-Deficient Dopa-Responsive Dystonia; Segawa syndrome, autosomal recessive. Identifiers: Orphanet 101150, MedGen C2673535, MONDO:0011551, OMIM 605407.

Submission:

Labcorp Genetics (formerly Invitae), Labcorp
Classification: Pathogenic for TH-deficient dopa-responsive dystonia. Last evaluated: 2019-10-23. Review status: criteria provided, single submitter. Criteria: Invitae Variant Classification Sherloc (09022015). Collection method: clinical testing. Allele origin: germline.
Comment: For these reasons, this variant has been classified as Pathogenic. Loss-of-function variants in TH are known to be pathogenic (PMID: 22264700, 24753243). This variant has not been reported in the literature in individuals with TH-related conditions. This variant is not present in population databases (ExAC no frequency). This sequence change creates a premature translational stop signal (p.His361Glnfs*56) in the TH gene. It is expected to result in an absent or disrupted protein product.

Literature cited by the submitters: PubMed 22264700; PubMed 24753243.